The following is an entry in ClinVar:

ClinVar aggregate classification (germline): Uncertain significance (1 of 4 stars; one submission).

Conditions:
RYR1-related disorder. Also called: RYR1-related condition; RYR1-related disorders. Identifiers: MedGen CN239331.

Submission:

Labcorp Genetics (formerly Invitae), Labcorp
Classification: Uncertain significance for RYR1-related disorder. Last evaluated: 2021-08-04. Review status: criteria provided, single submitter. Criteria: Invitae Variant Classification Sherloc (09022015). Collection method: clinical testing. Allele origin: germline.
Comment: In summary, the available evidence is currently insufficient to determine the role of this variant in disease. Therefore, it has been classified as a Variant of Uncertain Significance. Advanced modeling of protein sequence and biophysical properties (such as structural, functional, and spatial information, amino acid conservation, physicochemical variation, residue mobility, and thermodynamic stability) performed at Invitae indicates that this missense variant is expected to disrupt RYR1 protein function. This variant has not been reported in the literature in individuals affected with RYR1-related conditions. This variant is not present in population databases (ExAC no frequency). This sequence change replaces alanine with aspartic acid at codon 2455 of the RYR1 protein (p.Ala2455Asp). The alanine residue is highly conserved and there is a moderate physicochemical difference between alanine and aspartic acid.

NM_000540.3(RYR1):c.7364C>A (p.Ala2455Asp)

Gene: RYR1 (ryanodine receptor 1; plus strand). Cytogenetic location: 19q13.2.
Variant type: single nucleotide variant.
Coding change: c.7364C>A on transcript NM_000540.3 (MANE Select); coding-DNA position 7364, C replaced by A.
Protein change: p.Ala2455Asp; replaces alanine 2455 with aspartic acid.
Molecular consequence: missense variant.
Genome position (GRCh38, 1-based): chr19:38,500,646, C>A. VCF-style: chr19-38500646-C-A. GRCh37 (hg19) VCF-style: chr19-38991286-C-A.
Other names: c.7364C>A, p.Ala2455Asp (NM_001042723.2); short protein forms A2455D.
Identifiers: ClinVar variation 1464738 (VCV001464738.6), dbSNP rs1970067755, ClinGen allele CA405669995.